The following is an entry in ClinVar:

ClinVar aggregate classification (germline): Likely pathogenic. Review status: reviewed by expert panel (3 of 4 stars). 2 submissions from 2 submitters: Likely pathogenic (1). 1 of the submissions does not count toward it. Last evaluated 2024-09-05.

Conditions:
Glanzmann thrombasthenia. Also called: BLEEDING DISORDER, PLATELET-TYPE, 2; THROMBASTHENIA OF GLANZMANN AND NAEGELI; Thrombasthenia; PLATELET GLYCOPROTEIN IIb-IIIa DEFICIENCY; Glanzmann's thrombasthenia. Identifiers: Orphanet 849, MedGen C0040015, MONDO:0100326.

Allele frequency attached by ClinVar (database versions not stated): ExAC 0.00002.
gnomAD v4.1: 6 of 1,614,160 alleles (0.00037%); highest among the groups gnomAD compares: South Asian, 0.0011%; no homozygotes.

Submissions (2):

ClinGen Platelet Disorders Variant Curation Expert Panel, ClinGen
Classification: Likely pathogenic for Glanzmann thrombasthenia. Last evaluated: 2024-09-05. Review status: reviewed by expert panel. Criteria: ClinGen Platelet ACMG Specifications v2-1. Collection method: curation. Allele origin: germline. Inheritance: Autosomal recessive inheritance.
Comment: The NM_000212.3(ITGB3):c.655G>A (p.Val219Met) missense variant has been reported in at least one patient (Patient GTa, PMID:11722423) who displayed mucocutaneous bleeding and impaired aggregation with all agonists except ristocetin, which is highly specific for Glanzmann thrombasthenia (PP4_moderate). GTa is compound heterozygous for this variant and pathogenic variant c.602del (PM3). The highest population minor allele frequency in gnomAD v4.1 is 0.00001098 (1/91078 alleles) in the South Asian population, which is lower than the ClinGen PD VCEP threshold (<0.0001; PM2_Supporting). The computational predictor REVEL gives a score of 0.874, which is above the ClinGen PD VCEP threshold of >0.7 and predicts a damaging effect on function (PP3). In summary, this variant meets the criteria to be classified as likely pathogenic for autosomal recessive Glanzmann Thrombasthenia based on the ACMG/AMP criteria applied, as specified by the ClinGen PD VCEP: PM2_supporting, PM3, PP4_moderate, and PP3.

Labcorp Genetics (formerly Invitae), Labcorp
Classification: Uncertain significance. Last evaluated: 2023-09-01. Review status: criteria provided, single submitter. Criteria: Invitae Variant Classification Sherloc (09022015). Collection method: clinical testing. Allele origin: germline. Not counted in ClinVar's aggregate classification.
Comment: Experimental studies have shown that this missense change affects ITGB3 function (PMID: 11722423). In summary, the available evidence is currently insufficient to determine the role of this variant in disease. Therefore, it has been classified as a Variant of Uncertain Significance. Advanced modeling of protein sequence and biophysical properties (such as structural, functional, and spatial information, amino acid conservation, physicochemical variation, residue mobility, and thermodynamic stability) performed at Invitae indicates that this missense variant is not expected to disrupt ITGB3 protein function. ClinVar contains an entry for this variant (Variation ID: 2498348). This variant is also known as Val193Met. This missense change has been observed in individual(s) with Glanzmann thrombasthenia (PMID: 11722423). This variant is present in population databases (rs747116356, gnomAD 0.003%). This sequence change replaces valine, which is neutral and non-polar, with methionine, which is neutral and non-polar, at codon 219 of the ITGB3 protein (p.Val219Met).

Literature cited by the submitters: PubMed 11722423 (cited by Labcorp Genetics (formerly Invitae), Labcorp).

NM_000212.3(ITGB3):c.655G>A (p.Val219Met)

Genes: ITGB3 (integrin subunit beta 3; plus strand), LOC130061043 (ATAC-STARR-seq lymphoblastoid active region 12307; plus strand). Cytogenetic location: 17q21.32.
Variant type: single nucleotide variant.
Coding change: c.655G>A on transcript NM_000212.3 (MANE Select); coding-DNA position 655, G replaced by A.
Protein change: p.Val219Met; replaces valine 219 with methionine.
Molecular consequence: missense variant.
Genome position (GRCh38, 1-based): chr17:47,286,300, G>A. VCF-style: chr17-47286300-G-A. GRCh37 (hg19) VCF-style: chr17-45363666-G-A.
Other names: NM_000212.3:c.655G>A; short protein forms V219M.
Identifiers: ClinVar variation 2498348 (VCV002498348.6), dbSNP rs747116356, ClinGen allele CA8623016.